The following is an entry in ClinVar:

ClinVar aggregate classification (germline): Uncertain significance (1 of 4 stars; one submission).

gnomAD v4.1: 5 of 1,613,966 alleles (0.00031%); no homozygotes.

Submission:

GeneDx
Classification: Uncertain significance. Last evaluated: 2025-04-30. Review status: criteria provided, single submitter. Criteria: GeneDx Variant Classification Process June 2021. Collection method: clinical testing. Allele origin: germline. Affected: yes.
Comment: Not observed at significant frequency in large population cohorts (gnomAD); In silico analysis indicates that this missense variant does not alter protein structure/function; Has not been previously published as pathogenic or benign to our knowledge

NM_033056.4(PCDH15):c.5126A>C (p.His1709Pro)

Gene: PCDH15 (protocadherin related 15; minus strand). Cytogenetic location: 10q21.1.
Variant type: single nucleotide variant.
Coding change: c.5126A>C on transcript NM_033056.4 (MANE Plus Clinical); coding-DNA position 5126, A replaced by C.
Protein change: p.His1709Pro; replaces histidine 1709 with proline.
Molecular consequence: missense variant. On other transcripts: intron variant (8).
Genome position (GRCh38, 1-based): chr10:53,822,600, T>G on the plus strand (A>C on the coding strand, the complement: PCDH15 is on the minus strand). VCF-style: chr10-53822600-T-G. GRCh37 (hg19) VCF-style: chr10-55582360-T-G.
Other names: c.5147A>C, p.His1716Pro (NM_001142763.2); c.5132A>C, p.His1711Pro (NM_001142764.2); c.4919A>C, p.His1640Pro (NM_001142765.2); c.5117A>C, p.His1706Pro (NM_001142766.2); c.5006A>C, p.His1669Pro (NM_001142767.2); c.5066A>C, p.His1689Pro (NM_001142768.2); c.5057A>C, p.His1686Pro (NM_001142773.2); c.5060A>C, p.His1687Pro (NM_001354404.2); and 7 more; short protein forms H1640P, H1669P, H1686P, H1687P, H1689P, H1706P, H1709P, H1711P.
Identifiers: ClinVar variation 4527481 (VCV004527481.1).